The following is an entry in ClinVar:

ClinVar aggregate classification (germline): Pathogenic (1 of 4 stars; one submission).

Submission:

Labcorp Genetics (formerly Invitae), Labcorp
Classification: Pathogenic. Last evaluated: 2023-07-27. Review status: criteria provided, single submitter. Criteria: Invitae Variant Classification Sherloc (09022015). Collection method: clinical testing. Allele origin: unknown.
Comment: This variant is a gross deletion of the genomic region encompassing exon(s) 1 of the CLCN7 gene, which includes the initiator codon. This deletion extends beyond the assayed region for this gene and therefore may encompass additional genes. It is expected to result in an absent or disrupted protein product. Loss-of-function variants in CLCN7 are known to be pathogenic (PMID: 14584882, 19953639). This variant has not been reported in the literature in individuals affected with CLCN7-related conditions. For these reasons, this variant has been classified as Pathogenic.

Literature cited by the submitters: PubMed 14584882; PubMed 19953639.

NC_000016.9:g.(?_1524815)_(1524975_?)del

Gene: CLCN7 (chloride voltage-gated channel 7; minus strand). Cytogenetic location: 16p13.3.
Variant type: Deletion.
Identifiers: ClinVar variation 3243623 (VCV003243623.1).